The following is an entry in ClinVar:

ClinVar aggregate classification (germline): Likely benign. Review status: criteria provided, multiple submitters, no conflicts (2 of 4 stars). 3 submissions from 3 submitters: Likely benign (3). Last evaluated 2025-09-18.

Conditions:
Cardiac arrhythmia. Also called: Arrhythmia; Cardiac rhythm disease. Identifiers: MedGen C0003811, MONDO:0007263, HP:0011675.
Long QT syndrome (LQTS). Identifiers: MedGen C0023976, MeSH D008133, MONDO:0002442. Disease mechanism: loss of function. Inheritance: Various modes of inheritance.

Allele frequency attached by ClinVar (database versions not stated): gnomAD 0.00001; TOPMed 0.00001.
gnomAD v4.1: 3 of 1,541,804 alleles (0.00019%); highest among the groups gnomAD compares: Non-Finnish European, 0.00017%; 1 homozygote.

Submissions (3):

Color Diagnostics, LLC DBA Color Health
Classification: Likely benign for Cardiac arrhythmia. Last evaluated: 2025-09-18. Review status: criteria provided, single submitter. Criteria: ACMG Guidelines, 2015. Collection method: clinical testing. Allele origin: germline.

Labcorp Genetics (formerly Invitae), Labcorp
Classification: Likely benign for Long QT syndrome. Last evaluated: 2022-02-09. Review status: criteria provided, single submitter. Criteria: Invitae Variant Classification Sherloc (09022015). Collection method: clinical testing. Allele origin: germline.

GeneDx
Classification: Likely benign. Last evaluated: 2016-12-30. Review status: criteria provided, single submitter. Criteria: GeneDx Variant Classification (06012015). Collection method: clinical testing. Allele origin: germline. Affected: yes.
Comment: This variant is considered likely benign or benign based on one or more of the following criteria: it is a conservative change, it occurs at a poorly conserved position in the protein, it is predicted to be benign by multiple in silico algorithms, and/or has population frequency not consistent with disease.

NM_000238.4(KCNH2):c.2808C>T (p.Ser936=)

Gene: KCNH2 (potassium voltage-gated channel subfamily H member 2; minus strand). Cytogenetic location: 7q36.1.
Variant type: single nucleotide variant.
Coding change: c.2808C>T on transcript NM_000238.4 (MANE Select); coding-DNA position 2808, C replaced by T.
Protein change: p.Ser936=; no amino-acid change (serine 936 retained).
Molecular consequence: synonymous variant.
Genome position (GRCh38, 1-based): chr7:150,947,763, G>A on the plus strand (C>T on the coding strand, the complement: KCNH2 is on the minus strand). VCF-style: chr7-150947763-G-A. GRCh37 (hg19) VCF-style: chr7-150644851-G-A.
Other names: c.1788C>T, p.Ser596= (NM_172057.3).
Identifiers: ClinVar variation 377959 (VCV000377959.5), dbSNP rs1057520290, ClinGen allele CA16605073.
Genomic context (GRCh38, chr7:150,947,763, plus strand): 5'-CACCAGGCGGAGGGGGCTGGAGCTGCGGCCTGGGCCCTCATCCTCACTGCTCTCAGGGCT[G>A]GAGGGGCCACTGGACGGGCTCTCCCCCCACGGCCCCCCCGGCCGGCCCCGGCTACTCGGC-3'
Protein context (NP_000229.1, residues 926-946): PWGESPSSGP[Ser936=]SPESSEDEGP